The following is an entry in ClinVar:

ClinVar aggregate classification (germline): Benign/Likely benign. Review status: criteria provided, multiple submitters, no conflicts (2 of 4 stars). 4 submissions from 4 submitters: Benign (1); Likely benign (2). 1 of the submissions does not count toward it. Last evaluated 2026-01-30.

Conditions:
Xeroderma pigmentosum, group G (XPG). Also called: XERODERMA PIGMENTOSUM VII; XP, GROUP G; Xeroderma pigmentosum type 7; ERCC5-Related Xeroderma Pigmentosum. Identifiers: MedGen C0268141, MONDO:0010216, OMIM 278780.
Hereditary cancer-predisposing syndrome. Also called: Tumor predisposition; Neoplastic Syndromes, Hereditary; Hereditary neoplastic syndrome; Hereditary Cancer Syndrome. Identifiers: Orphanet 140162, MedGen C0027672, MeSH D009386, MONDO:0015356.
ERCC5-related disorder. Also called: ERCC5-related condition.

Allele frequency attached by ClinVar (database versions not stated): gnomAD 0.00001 and 0.00024; TOPMed 0.00002; gnomAD exomes 0.00028 and 0.00058; 1000 Genomes Project 30x 0.00062; ExAC 0.00062; 1000 Genomes Project 0.00080.
gnomAD v4.1: 450 of 1,613,990 alleles (0.028%); highest among the groups gnomAD compares: South Asian, 0.47%; 5 homozygotes.

Submissions (4):

Labcorp Genetics (formerly Invitae), Labcorp
Classification: Benign. Last evaluated: 2026-01-30. Review status: criteria provided, single submitter. Criteria: Invitae Variant Classification Sherloc (09022015). Collection method: clinical testing. Allele origin: germline.

Sema4
Classification: Likely benign for Hereditary cancer-predisposing syndrome. Last evaluated: 2020-12-21. Review status: criteria provided, single submitter. Criteria: Sema4 Curation Guidelines. Collection method: curation. Allele origin: germline.

Illumina Laboratory Services, Illumina
Classification: Likely benign for Xeroderma pigmentosum, group G. Last evaluated: 2018-01-13. Review status: criteria provided, single submitter. Criteria: ICSL Variant Classification Criteria 13 December 2019. Collection method: clinical testing. Allele origin: germline.
Comment: This variant was observed in the ICSL laboratory as part of a predisposition screen in an ostensibly healthy population. It had not been previously curated by ICSL or reported in the Human Gene Mutation Database (HGMD: prior to June 1st, 2018), and was therefore a candidate for classification through an automated scoring system. Utilizing variant allele frequency, disease prevalence and penetrance estimates, and inheritance mode, an automated score was calculated to assess if this variant is too frequent to cause the disease. Based on the score and internal cut-off values, a variant classified as likely benign is not then subjected to further curation. The score for this variant resulted in a classification of likely benign for this disease.

PreventionGenetics, part of Exact Sciences
Classification: Likely benign for ERCC5-related condition. Last evaluated: 2020-06-05. Review status: no assertion criteria provided. Collection method: clinical testing. Allele origin: germline. Not counted in ClinVar's aggregate classification.
Comment: This variant is classified as likely benign based on ACMG/AMP sequence variant interpretation guidelines (Richards et al. 2015 PMID: 25741868, with internal and published modifications).

NM_000123.4(ERCC5):c.76A>G (p.Ile26Val)

Genes: BIVM-ERCC5 (BIVM-ERCC5 readthrough; plus strand), ERCC5 (ERCC excision repair 5, endonuclease; plus strand). Cytogenetic location: 13q33.1.
Variant type: single nucleotide variant.
Coding change: c.76A>G on transcript NM_000123.4 (MANE Select); coding-DNA position 76, A replaced by G.
Protein change: p.Ile26Val; replaces isoleucine 26 with valine.
Molecular consequence: missense variant. On other transcripts: intron variant (1).
Genome position (GRCh38, 1-based): chr13:102,846,342, A>G. VCF-style: chr13-102846342-A-G. GRCh37 (hg19) VCF-style: chr13-103498692-A-G.
Other names: c.1451-5776A>G (NM_001204425.2); short protein forms I26V.
Identifiers: ClinVar variation 881014 (VCV000881014.8), dbSNP rs371937705, ClinGen allele CA7040959.